The following is an entry in ClinVar:

NM_012154.5(AGO2):c.1441_1443delinsACT (p.Ala481Thr)

Gene: AGO2 (argonaute RISC catalytic component 2; minus strand). Cytogenetic location: 8q24.3.
Variant type: Indel.
Coding change: c.1441_1443delinsACT on transcript NM_012154.5 (MANE Select); coding-DNA positions 1441 to 1443, GCC replaced by ACT.
Protein change: p.Ala481Thr; replaces alanine 481 with threonine.
Molecular consequence: missense variant.
Genome position (GRCh38, 1-based): chr8:140,549,259-140,549,261, GGC replaced by AGT on the plus strand (GCC replaced by ACT on the coding strand, the reverse complement: AGO2 is on the minus strand). VCF-style: chr8-140549259-GGC-AGT. GRCh37 (hg19) VCF-style: chr8-141559358-GGC-AGT.
Other names: c.1441_1443delinsACT, p.Ala481Thr (NM_001164623.3); short protein forms A481T.
Identifiers: ClinVar variation 3361624 (VCV003361624.1).
Genomic context (GRCh38, chr8:140,549,259, plus strand): 5'-CACGCTGTCCGCCCCCTGCGCGTATTTGCAGAAGCACGGCTGGCCCTGGATGGGCATGCC[GGC>AGT]GTCTCTCGAGATCTTTCTGAGCTGCTCTGTGAAGGACCTGCAGGAGAAGGCTCCGTTCAC-3'
Protein context (NP_036286.2, residues 471-491): TEQLRKISRD[Ala481Thr]GMPIQGQPCF

ClinVar aggregate classification (germline): Uncertain significance (1 of 4 stars; one submission).

Submission:

GeneDx
Classification: Uncertain significance. Last evaluated: 2023-07-27. Review status: criteria provided, single submitter. Criteria: GeneDx Variant Classification Process June 2021. Collection method: clinical testing. Allele origin: germline. Affected: yes.
Comment: Not observed at significant frequency in large population cohorts (gnomAD); In silico analysis supports a deleterious effect on protein structure/function; Has not been previously published in an individual with AGO2-related disease as pathogenic or benign to our knowledge; In-frame deletion of 1 amino acid and insertion of 1 amino acid in a non-repeat region; This variant is associated with the following publications: (PMID: 26359634)